The following is an entry in ClinVar:

NM_006031.6(PCNT):c.6800C>T (p.Ser2267Leu)

Gene: PCNT (pericentrin; plus strand). Cytogenetic location: 21q22.3.
Variant type: single nucleotide variant.
Coding change: c.6800C>T on transcript NM_006031.6 (MANE Select); coding-DNA position 6800, C replaced by T.
Protein change: p.Ser2267Leu; replaces serine 2267 with leucine.
Molecular consequence: missense variant.
Genome position (GRCh38, 1-based): chr21:46,416,718, C>T. VCF-style: chr21-46416718-C-T. GRCh37 (hg19) VCF-style: chr21-47836632-C-T.
Other names: c.6446C>T, p.Ser2149Leu (NM_001315529.2); short protein forms S2149L, S2267L.
Identifiers: ClinVar variation 993566 (VCV000993566.17), dbSNP rs548287016, ClinGen allele CA10080408.
Genomic context (GRCh38, chr21:46,416,718, plus strand): 5'-ACTCAGGAGCCCTGAGCCTGTGCAGTGCCGACACATCCCTGGGGGACAGGGCGGACACCT[C>T]GCTGCCACAGACCCAGGGGCCGGGGCTGCTTTGTTCCCCAGGCGTGTCTGCAGCAGCGCT-3'
Protein context (NP_006022.3, residues 2257-2277): DTSLGDRADT[Ser2267Leu]LPQTQGPGLL

ClinVar aggregate classification (germline): Uncertain significance. Review status: criteria provided, multiple submitters, no conflicts (2 of 4 stars). 5 submissions from 5 submitters: Uncertain significance (4). 1 of the submissions does not count toward it. Last evaluated 2025-11-10.

Conditions:
PCNT-related disorder. Also called: PCNT-related condition.
Inborn genetic diseases. Identifiers: MedGen C0950123, MeSH D030342.
Microcephalic osteodysplastic primordial dwarfism type II (MOPD2). Also called: Microcephalic osteodysplastic primordial dwarfism with tooth abnormalities; MOPD II; OSTEODYSPLASTIC PRIMORDIAL DWARFISM, TYPE II. Identifiers: Orphanet 2637, MedGen C0432246, MONDO:0008872, OMIM 210720.

Allele frequency attached by ClinVar (database versions not stated): gnomAD exomes 0.00008 and 0.00024; ExAC 0.00011; gnomAD 0.00016 and 0.00017; TOPMed 0.00025; 1000 Genomes Project 30x 0.00031; 1000 Genomes Project 0.00040.
gnomAD v4.1: 142 of 1,579,278 alleles (0.009%); highest among the groups gnomAD compares: Admixed American, 0.097%; no homozygotes.

Submissions (5):

GeneDx
Classification: Uncertain significance. Last evaluated: 2025-11-10. Review status: criteria provided, single submitter. Criteria: GeneDx Variant Classification Process June 2021. Collection method: clinical testing. Allele origin: germline. Affected: yes.
Comment: In silico analysis suggests that this missense variant does not alter protein structure/function; Has not been previously published as pathogenic or benign to our knowledge

Labcorp Genetics (formerly Invitae), Labcorp
Classification: Uncertain significance. Last evaluated: 2025-01-01. Review status: criteria provided, single submitter. Criteria: Invitae Variant Classification Sherloc (09022015). Collection method: clinical testing. Allele origin: germline.
Comment: This sequence change replaces serine, which is neutral and polar, with leucine, which is neutral and non-polar, at codon 2267 of the PCNT protein (p.Ser2267Leu). This variant is present in population databases (rs548287016, gnomAD 0.2%). This variant has not been reported in the literature in individuals affected with PCNT-related conditions. ClinVar contains an entry for this variant (Variation ID: 993566). An algorithm developed to predict the effect of missense changes on protein structure and function (PolyPhen-2) suggests that this variant is likely to be disruptive. In summary, the available evidence is currently insufficient to determine the role of this variant in disease. Therefore, it has been classified as a Variant of Uncertain Significance.

Ambry Genetics
Classification: Uncertain significance for Inborn genetic diseases. Last evaluated: 2024-11-14. Review status: criteria provided, single submitter. Criteria: Ambry Variant Classification Scheme 2023. Collection method: clinical testing. Allele origin: germline.

ARUP Laboratories, Molecular Genetics and Genomics, ARUP Laboratories
Classification: Uncertain significance for Microcephalic osteodysplastic primordial dwarfism type II. Last evaluated: 2019-07-28. Review status: criteria provided, single submitter. Criteria: ARUP Molecular Germline Variant Investigation Process. Collection method: clinical testing. Allele origin: germline.
Comment: The PCNT c.6800C>T; p.Ser2267Leu variant (rs548287016), to our knowledge, is not reported in the medical literature or gene-specific databases. This variant is found in the Ashkenazi Jewish population with an overall allele frequency of 0.19% (14/7440 alleles) in the Genome Aggregation Database. The serine at codon 2267 is weakly conserved, but computational analyses (SIFT: tolerated, PolyPhen-2: damaging) predict conflicting effects of this variant on protein structure/function. However, due to limited information, the clinical significance of the p.Ser2267Leu variant is uncertain at this time.

PreventionGenetics, part of Exact Sciences
Classification: Likely benign for PCNT-related condition. Last evaluated: 2022-02-04. Review status: no assertion criteria provided. Collection method: clinical testing. Allele origin: germline. Not counted in ClinVar's aggregate classification.
Comment: This variant is classified as likely benign based on ACMG/AMP sequence variant interpretation guidelines (Richards et al. 2015 PMID: 25741868, with internal and published modifications).